The following is an entry in ClinVar:

NM_207303.4(ATRNL1):c.3261A>G (p.Gln1087=)

Gene: ATRNL1 (attractin like 1; plus strand). Cytogenetic location: 10q25.3.
Variant type: single nucleotide variant.
Coding change: c.3261A>G on transcript NM_207303.4 (MANE Select); coding-DNA position 3261, A replaced by G.
Protein change: p.Gln1087=; no amino-acid change (glutamine 1087 retained).
Molecular consequence: synonymous variant.
Genome position (GRCh38, 1-based): chr10:115,394,744, A>G. VCF-style: chr10-115394744-A-G. GRCh37 (hg19) VCF-style: chr10-117154254-A-G.
Identifiers: ClinVar variation 2640870 (VCV002640870.24), dbSNP rs1844202477, ClinGen allele CA471576223.

ClinVar aggregate classification (germline): Likely benign (1 of 4 stars; one submission).

Allele frequency attached by ClinVar (database versions not stated): gnomAD exomes below 0.00001; TOPMed below 0.00001.
gnomAD v4.1: 2 of 1,594,974 alleles (0.00013%); highest among the groups gnomAD compares: East Asian, 0.0023%; no homozygotes.

Submission:

CeGaT Center for Human Genetics Tuebingen
Classification: Likely benign. Last evaluated: 2022-09-01. Review status: criteria provided, single submitter. Criteria: CeGaT Center For Human Genetics Tuebingen Variant Classification Criteria Version 2. Collection method: clinical testing. Allele origin: germline. Affected: yes. Observed: 1 variant allele.
Comment: ATRNL1: PM2:Supporting, BP4, BP7